The following is an entry in ClinVar:

ClinVar aggregate classification (germline): Uncertain significance (1 of 4 stars; one submission).

gnomAD v4.1: 19 of 1,614,034 alleles (0.0012%); highest among the groups gnomAD compares: East Asian, 0.036%; no homozygotes.

Submission:

Women's Health and Genetics/Laboratory Corporation of America, LabCorp
Classification: Uncertain significance. Last evaluated: 2024-05-08. Review status: criteria provided, single submitter. Criteria: LabCorp Variant Classification Summary - May 2015. Collection method: clinical testing. Allele origin: germline.
Comment: Variant summary: ABCC2 c.2153A>G (p.Asn718Ser) results in a conservative amino acid change located in the ABC transporter-like, ATP-binding domain (IPR003439) of the encoded protein sequence. Four of five in-silico tools predict a damaging effect of the variant on protein function. The variant allele was found at a frequency of 4.4e-05 in 251294 control chromosomes. c.2153A>G has been reported in the literature in at-least two individuals affected with Dubin-Johnson Syndrome and inherited intrahepatic cholestasis (Wang_2020, Kim_2020, Hahn_2024). These data indicate that the variant may be associated with disease. To our knowledge, no experimental evidence demonstrating an impact on protein function has been reported. The following publications have been ascertained in the context of this evaluation (PMID: 38323732, 32758197, 31450232). No submitters have cited clinical-significance assessments for this variant to ClinVar. Based on the evidence outlined above, the variant was classified as VUS-possibly pathogenic.

Literature cited by the submitters: PubMed 31450232; PubMed 38323732; PubMed 32758197.

NM_000392.5(ABCC2):c.2153A>G (p.Asn718Ser)

Gene: ABCC2 (ATP binding cassette subfamily C member 2; plus strand). Cytogenetic location: 10q24.2.
Variant type: single nucleotide variant.
Coding change: c.2153A>G on transcript NM_000392.5 (MANE Select); coding-DNA position 2153, A replaced by G.
Protein change: p.Asn718Ser; replaces asparagine 718 with serine.
Molecular consequence: missense variant.
Genome position (GRCh38, 1-based): chr10:99,817,366, A>G. VCF-style: chr10-99817366-A-G. GRCh37 (hg19) VCF-style: chr10-101577123-A-G.
Other names: short protein forms N718S.
Identifiers: ClinVar variation 3336097 (VCV003336097.2).